The following is an entry in ClinVar:

NM_133433.4(NIPBL):c.385T>C (p.Ser129Pro)

Gene: NIPBL (NIPBL cohesin loading factor; plus strand). Cytogenetic location: 5p13.2.
Variant type: single nucleotide variant.
Coding change: c.385T>C on transcript NM_133433.4 (MANE Select); coding-DNA position 385, T replaced by C.
Protein change: p.Ser129Pro; replaces serine 129 with proline.
Molecular consequence: missense variant.
Genome position (GRCh38, 1-based): chr5:36,961,510, T>C. VCF-style: chr5-36961510-T-C. GRCh37 (hg19) VCF-style: chr5-36961612-T-C.
Other names: c.385T>C, p.Ser129Pro (NM_015384.5); c.385T>C (NM_133433.3); short protein forms S129P.
Identifiers: ClinVar variation 2038735 (VCV002038735.6), dbSNP rs141976717, ClinGen allele CA3235815.

ClinVar aggregate classification (germline): Uncertain significance. Review status: criteria provided, multiple submitters, no conflicts (2 of 4 stars). 3 submissions from 3 submitters: Uncertain significance (3). Last evaluated 2024-11-09.

Conditions:
NIPBL-related disorder. Also called: NIPBL-related condition.
Cornelia de Lange syndrome 1 (CDLS1). Also called: TYPUS DEGENERATIVUS AMSTELODAMENSIS; Brachmann de Lange syndrome; NIPBL-Related Cornelia de Lange Syndrome. Identifiers: Orphanet 199, MedGen C4551851, MONDO:0007387, OMIM 122470.

Allele frequency attached by ClinVar (database versions not stated): ExAC 0.00001; gnomAD 0.00001; TOPMed 0.00002; ESP Exome Variant Server 0.00008.
gnomAD v4.1: 12 of 1,611,334 alleles (0.00074%); highest among the groups gnomAD compares: African/African-American, 0.0027%; no homozygotes.

Submissions (3):

PreventionGenetics, part of Exact Sciences
Classification: Uncertain significance for NIPBL-related condition. Last evaluated: 2024-11-09. Review status: criteria provided, single submitter. Criteria: ACMG Guidelines, 2015. Collection method: clinical testing. Allele origin: germline.
Comment: The NIPBL c.385T>C variant is predicted to result in the amino acid substitution p.Ser129Pro. This variant has been reported in an individual with a neurodevelopmental disorder (Álvarez-Mora et al. 2022. PubMed ID: 35183220). This variant is reported in 0.0054% of alleles in individuals of East Asian descent in gnomAD. At this time, the clinical significance of this variant is uncertain due to the absence of conclusive functional and genetic evidence.

Fulgent Genetics
Classification: Uncertain significance for Cornelia de Lange syndrome 1. Last evaluated: 2024-01-22. Review status: criteria provided, single submitter. Criteria: ACMG Guidelines, 2015. Collection method: clinical testing. Allele origin: germline.

Labcorp Genetics (formerly Invitae), Labcorp
Classification: Uncertain significance for Cornelia de Lange syndrome 1. Last evaluated: 2022-10-25. Review status: criteria provided, single submitter. Criteria: Invitae Variant Classification Sherloc (09022015). Collection method: clinical testing. Allele origin: germline.
Comment: This sequence change replaces serine, which is neutral and polar, with proline, which is neutral and non-polar, at codon 129 of the NIPBL protein (p.Ser129Pro). This variant is present in population databases (rs141976717, gnomAD 0.006%). This variant has not been reported in the literature in individuals affected with NIPBL-related conditions. Advanced modeling of protein sequence and biophysical properties (such as structural, functional, and spatial information, amino acid conservation, physicochemical variation, residue mobility, and thermodynamic stability) performed at Invitae indicates that this missense variant is not expected to disrupt NIPBL protein function. In summary, the available evidence is currently insufficient to determine the role of this variant in disease. Therefore, it has been classified as a Variant of Uncertain Significance.